The following is an entry in ClinVar:

ClinVar aggregate classification (germline): Uncertain significance (1 of 4 stars; one submission).

Submission:

GeneDx
Classification: Uncertain significance. Last evaluated: 2023-07-26. Review status: criteria provided, single submitter. Criteria: GeneDx Variant Classification Process June 2021. Collection method: clinical testing. Allele origin: germline. Affected: yes.
Comment: Not observed at significant frequency in large population cohorts (gnomAD); In silico analysis supports that this missense variant has a deleterious effect on protein structure/function; Has not been previously published as pathogenic or benign to our knowledge

NM_152703.5(SAMD9L):c.1274A>T (p.His425Leu)

Gene: SAMD9L (sterile alpha motif domain containing 9 like; minus strand). Cytogenetic location: 7q21.2.
Variant type: single nucleotide variant.
Coding change: c.1274A>T on transcript NM_152703.5 (MANE Select); coding-DNA position 1274, A replaced by T.
Protein change: p.His425Leu; replaces histidine 425 with leucine.
Molecular consequence: missense variant.
Genome position (GRCh38, 1-based): chr7:93,134,698, T>A on the plus strand (A>T on the coding strand, the complement: SAMD9L is on the minus strand). VCF-style: chr7-93134698-T-A. GRCh37 (hg19) VCF-style: chr7-92764011-T-A.
Other names: p.His425Leu; c.1274A>T, p.His425Leu (NM_001303496.3, NM_001303497.3, NM_001303498.3 and 5 more transcripts); short protein forms H425L.
Identifiers: ClinVar variation 3361655 (VCV003361655.1).